The following is an entry in ClinVar:

ClinVar aggregate classification (germline): Uncertain significance. Review status: criteria provided, single submitter (1 of 4 stars). 2 submissions from 2 submitters: Uncertain significance (1). 1 of the submissions does not count toward it. Last evaluated 2023-11-07.

Conditions:
Bethlem myopathy 1A. Also called: Bethlem Muscular Dystrophy; Bethlem myopathy 1; MYOPATHY, BENIGN CONGENITAL, WITH CONTRACTURES. Identifiers: Orphanet 610, MedGen CN029274, MONDO:0024530, OMIM 158810.

Allele frequency attached by ClinVar (database versions not stated): gnomAD exomes 0.00001; ExAC 0.00002; TOPMed 0.00002; gnomAD 0.00003.
gnomAD v4.1: 16 of 1,612,994 alleles (0.00099%); highest among the groups gnomAD compares: African/African-American, 0.004%; no homozygotes.

Submissions (2):

Labcorp Genetics (formerly Invitae), Labcorp
Classification: Uncertain significance for Bethlem myopathy 1A. Last evaluated: 2023-11-07. Review status: criteria provided, single submitter. Criteria: Invitae Variant Classification Sherloc (09022015). Collection method: clinical testing. Allele origin: germline.
Comment: This sequence change replaces arginine, which is basic and polar, with tryptophan, which is neutral and slightly polar, at codon 719 of the COL6A2 protein (p.Arg719Trp). This variant is present in population databases (rs544785178, gnomAD 0.002%). This variant has not been reported in the literature in individuals affected with COL6A2-related conditions. ClinVar contains an entry for this variant (Variation ID: 2148026). Advanced modeling of protein sequence and biophysical properties (such as structural, functional, and spatial information, amino acid conservation, physicochemical variation, residue mobility, and thermodynamic stability) performed at Invitae indicates that this missense variant is expected to disrupt COL6A2 protein function with a positive predictive value of 80%. In summary, the available evidence is currently insufficient to determine the role of this variant in disease. Therefore, it has been classified as a Variant of Uncertain Significance.

Clinical Genetics Laboratory, University Hospital Schleswig-Holstein
Classification: Uncertain significance for Bethlem myopathy 1A. Last evaluated: 2023-10-17. Review status: no assertion criteria provided. Collection method: clinical testing. Allele origin: germline. Affected: yes. Not counted in ClinVar's aggregate classification.

NM_001849.4(COL6A2):c.2155C>T (p.Arg719Trp)

Gene: COL6A2 (collagen type VI alpha 2 chain; plus strand). Cytogenetic location: 21q22.3.
Variant type: single nucleotide variant.
Coding change: c.2155C>T on transcript NM_001849.4 (MANE Select); coding-DNA position 2155, C replaced by T.
Protein change: p.Arg719Trp; replaces arginine 719 with tryptophan.
Molecular consequence: missense variant.
Genome position (GRCh38, 1-based): chr21:46,125,970, C>T. VCF-style: chr21-46125970-C-T. GRCh37 (hg19) VCF-style: chr21-47545884-C-T.
Other names: c.2155C>T, p.Arg719Trp (NM_058174.3, NM_058175.3); short protein forms R719W.
Identifiers: ClinVar variation 2148026 (VCV002148026.5), dbSNP rs544785178, ClinGen allele CA10072452.